The following is an entry in ClinVar:

NM_022124.6(CDH23):c.101A>G (p.His34Arg)

Gene: CDH23 (cadherin related 23; plus strand). Cytogenetic location: 10q22.1.
Variant type: single nucleotide variant.
Coding change: c.101A>G on transcript NM_022124.6 (MANE Select); coding-DNA position 101, A replaced by G.
Protein change: p.His34Arg; replaces histidine 34 with arginine.
Molecular consequence: missense variant.
Genome position (GRCh38, 1-based): chr10:71,446,351, A>G. VCF-style: chr10-71446351-A-G. GRCh37 (hg19) VCF-style: chr10-73206108-A-G.
Other names: c.101A>G, p.His34Arg (NM_001171930.2, NM_001171931.2, NM_001171932.2 and 1 more transcripts); short protein forms H34R.
Identifiers: ClinVar variation 1313357 (VCV001313357.2), dbSNP rs766291656, ClinGen allele CA5543294.
Genomic context (GRCh38, chr10:71,446,351, plus strand): 5'-CTGACGCTCTTGTCCTCTGACTTCCAGGCCAGGTGAACCGGCTGCCCTTCTTCACCAACC[A>G]CTTCTTTGATACATACCTGCTGATCAGCGAGGACACGCCTGTGGGTGAGTGGGGGCATGG-3'
Protein context (NP_071407.4, residues 24-44): QVNRLPFFTN[His34Arg]FFDTYLLISE

ClinVar aggregate classification (germline): Uncertain significance (1 of 4 stars; one submission).

Allele frequency attached by ClinVar (database versions not stated): gnomAD exomes below 0.00001 and 0.00001; ExAC 0.00001; gnomAD 0.00001.
gnomAD v4.1: 15 of 1,613,786 alleles (0.00093%); highest among the groups gnomAD compares: South Asian, 0.013%; no homozygotes.

Submission:

GeneDx
Classification: Uncertain significance. Last evaluated: 2020-10-20. Review status: criteria provided, single submitter. Criteria: GeneDx Variant Classification Process June 2021. Collection method: clinical testing. Allele origin: germline. Affected: yes.
Comment: Not observed at a significant frequency in large population cohorts (Lek et al., 2016); In silico analysis supports that this missense variant does not alter protein structure/function; Has not been previously published as pathogenic or benign to our knowledge